The following is an entry in ClinVar:

ClinVar aggregate classification (germline): Uncertain significance. Review status: criteria provided, multiple submitters, no conflicts (2 of 4 stars). 2 submissions from 2 submitters: Uncertain significance (2). Last evaluated 2025-02-24.

Conditions:
Autosomal recessive limb-girdle muscular dystrophy type 2J (LGMDR10). Also called: MUSCULAR DYSTROPHY, LIMB-GIRDLE, AUTOSOMAL RECESSIVE 10; Limb-girdle muscular dystrophy, type 2J. Identifiers: Orphanet 140922, MedGen C1837342, MONDO:0012127, OMIM 608807.
Dilated cardiomyopathy 1G (CMD1G). Identifiers: Orphanet 154, MedGen C1858763, MONDO:0011400, OMIM 604145.
Hypertrophic cardiomyopathy 9. Also called: Familial hypertrophic cardiomyopathy 9. Identifiers: MedGen C1861065, MONDO:0013412, OMIM 613765.
Myopathy, myofibrillar, 9, with early respiratory failure (MFM9). Also called: EDSTROM MYOPATHY; MYOPATHY, PROXIMAL, WITH EARLY RESPIRATORY MUSCLE INVOLVEMENT; Myopathy, distal, with early respiratory failure, autosomal dominant; Hereditary myopathy with early respiratory failure. Identifiers: Orphanet 178464, Orphanet 34521, MedGen C1863599, MONDO:0011362, OMIM 603689.
Tibial muscular dystrophy (TMD). Also called: Tibial muscular dystrophy, tardive; UDD MYOPATHY; Udd Distal Myopathy – Tibial Muscular Dystrophy. Identifiers: Orphanet 609, MedGen C1838244, MONDO:0010870, OMIM 600334.
Early-onset myopathy with fatal cardiomyopathy (CMYO5). Also called: CONGENITAL MYOPATHY 5 WITH CARDIOMYOPATHY; Salih Myopathy. Identifiers: Orphanet 289377, MedGen C2673677, MONDO:0012714, OMIM 611705. Disease mechanism: loss of function.

Allele frequency attached by ClinVar (database versions not stated): 1000 Genomes Project 0.00020; gnomAD exomes below 0.00001 and 0.00003; gnomAD 0.00001 and 0.00002; TOPMed 0.00002; ExAC 0.00003; 1000 Genomes Project 30x 0.00016.
gnomAD v4.1: 8 of 1,613,934 alleles (0.0005%); highest among the groups gnomAD compares: East Asian, 0.018%; no homozygotes.

Submissions (2):

Labcorp Genetics (formerly Invitae), Labcorp
Classification: Uncertain significance for Dilated cardiomyopathy 1G; Autosomal recessive limb-girdle muscular dystrophy type 2J. Last evaluated: 2025-02-24. Review status: criteria provided, single submitter. Criteria: Invitae Variant Classification Sherloc (09022015). Collection method: clinical testing. Allele origin: germline.
Comment: This sequence change replaces proline, which is neutral and non-polar, with serine, which is neutral and polar, at codon 35420 of the TTN protein (p.Pro35420Ser). This variant is present in population databases (rs567191587, gnomAD 0.04%). This variant has not been reported in the literature in individuals affected with TTN-related conditions. ClinVar contains an entry for this variant (Variation ID: 855722). Experimental studies and prediction algorithms are not available or were not evaluated, and the functional significance of this variant is currently unknown. This variant is located in the M band of TTN (PMID: 25589632). Non-truncating variants in this region may be relevant for neuromuscular disorders, but have not been definitively shown to cause cardiomyopathy (PMID: 23975875). In summary, the available evidence is currently insufficient to determine the role of this variant in disease. Therefore, it has been classified as a Variant of Uncertain Significance.

Fulgent Genetics
Classification: Uncertain significance for Tibial muscular dystrophy; Myopathy, myofibrillar, 9, with early respiratory failure; Dilated cardiomyopathy 1G; Autosomal recessive limb-girdle muscular dystrophy type 2J; Early-onset myopathy with fatal cardiomyopathy; Hypertrophic cardiomyopathy 9. Last evaluated: 2022-01-04. Review status: criteria provided, single submitter. Criteria: ACMG Guidelines, 2015. Collection method: clinical testing. Allele origin: unknown.

Literature cited by the submitters: PubMed 25589632 (cited by Labcorp Genetics (formerly Invitae), Labcorp); PubMed 23975875 (cited by Labcorp Genetics (formerly Invitae), Labcorp).

NM_001267550.2(TTN):c.106258C>T (p.Pro35420Ser)

Genes: TTN (titin; minus strand), TTN-AS1 (TTN antisense RNA 1; plus strand). Cytogenetic location: 2q31.2.
Variant type: single nucleotide variant.
Coding change: c.106258C>T on transcript NM_001267550.2 (MANE Select); coding-DNA position 106258, C replaced by T.
Protein change: p.Pro35420Ser; replaces proline 35420 with serine.
Molecular consequence: missense variant.
Genome position (GRCh38, 1-based): chr2:178,530,357, G>A on the plus strand (C>T on the coding strand, the complement: TTN is on the minus strand). VCF-style: chr2-178530357-G-A. GRCh37 (hg19) VCF-style: chr2-179395084-G-A.
Other names: c.101335C>T, p.Pro33779Ser (NM_001256850.1); c.79063C>T, p.Pro26355Ser (NM_003319.4); c.98554C>T, p.Pro32852Ser (NM_133378.4); c.79438C>T, p.Pro26480Ser (NM_133432.3); c.79639C>T, p.Pro26547Ser (NM_133437.4); short protein forms P35420S, P26547S, P33779S, P26355S, P32852S, P26480S.
Identifiers: ClinVar variation 855722 (VCV000855722.9), dbSNP rs567191587, ClinGen allele CA1985141.